The following is an entry in ClinVar:

ClinVar aggregate classification (germline): Likely benign (1 of 4 stars; one submission).

gnomAD v4.1: 903 of 1,570,192 alleles (0.058%); highest among the groups gnomAD compares: Non-Finnish European, 0.072%; 1 homozygote.

Submission:

CeGaT Center for Human Genetics Tuebingen
Classification: Likely benign. Last evaluated: 2025-03-01. Review status: criteria provided, single submitter. Criteria: CeGaT Center For Human Genetics Tuebingen Variant Classification Criteria Version 2. Collection method: clinical testing. Allele origin: germline. Affected: yes. Observed: 1 variant allele.
Comment: MSH4: BP4, BP7

NM_002440.4(MSH4):c.444G>T (p.Ala148=)

Gene: MSH4 (mutS homolog 4; plus strand). Cytogenetic location: 1p31.1.
Variant type: single nucleotide variant.
Coding change: c.444G>T on transcript NM_002440.4 (MANE Select); coding-DNA position 444, G replaced by T.
Protein change: p.Ala148=; no amino-acid change (alanine 148 retained).
Molecular consequence: synonymous variant.
Genome position (GRCh38, 1-based): chr1:75,806,997, G>T. VCF-style: chr1-75806997-G-T. GRCh37 (hg19) VCF-style: chr1-76272682-G-T.
Identifiers: ClinVar variation 3777934 (VCV003777934.7).